The following is an entry in ClinVar:

NM_019066.5(MAGEL2):c.2100G>C (p.Pro700=)

Gene: MAGEL2 (MAGE family member L2; minus strand). Cytogenetic location: 15q11.2.
Variant type: single nucleotide variant.
Coding change: c.2100G>C on transcript NM_019066.5 (MANE Select); coding-DNA position 2100, G replaced by C.
Protein change: p.Pro700=; no amino-acid change (proline 700 retained).
Molecular consequence: synonymous variant.
Genome position (GRCh38, 1-based): chr15:23,645,643, C>G on the plus strand (G>C on the coding strand, the complement: MAGEL2 is on the minus strand). VCF-style: chr15-23645643-C-G. GRCh37 (hg19) VCF-style: chr15-23890790-C-G.
Identifiers: ClinVar variation 4769277 (VCV004769277.1).

ClinVar aggregate classification (germline): Uncertain significance (1 of 4 stars; one submission).

Submission:

Labcorp Genetics (formerly Invitae), Labcorp
Classification: Uncertain significance. Last evaluated: 2025-02-12. Review status: criteria provided, single submitter. Criteria: Invitae Variant Classification Sherloc (09022015). Collection method: clinical testing. Allele origin: germline.
Comment: This sequence change affects codon 700 of the MAGEL2 mRNA. It is a 'silent' change, meaning that it does not change the encoded amino acid sequence of the MAGEL2 protein. This variant is not present in population databases (gnomAD no frequency). This variant has not been reported in the literature in individuals affected with MAGEL2-related conditions. Experimental studies and prediction algorithms are not available or were not evaluated, and the effect of this variant on mRNA splicing is currently unknown. In summary, the available evidence is currently insufficient to determine the role of this variant in disease. Therefore, it has been classified as a Variant of Uncertain Significance.